The following is an entry in ClinVar:

NM_015015.3(KDM4B):c.2441+1G>A

Gene: KDM4B (lysine demethylase 4B; plus strand). Cytogenetic location: 19p13.3.
Variant type: single nucleotide variant.
Coding change: c.2441+1G>A on transcript NM_015015.3 (MANE Select); the canonical splice donor site of the intron after coding-DNA position 2441, G replaced by A.
Molecular consequence: splice donor variant.
Genome position (GRCh38, 1-based): chr19:5,137,677, G>A. VCF-style: chr19-5137677-G-A. GRCh37 (hg19) VCF-style: chr19-5137688-G-A.
Other names: c.2543+1G>A (NM_001411148.1).
Identifiers: ClinVar variation 1329940 (VCV001329940.2), dbSNP rs746714213, ClinGen allele CA9108233.

ClinVar aggregate classification (germline): Likely pathogenic (1 of 4 stars; one submission).

Conditions:
Intellectual developmental disorder, autosomal dominant 65. Also called: MENTAL RETARDATION, AUTOSOMAL DOMINANT 65. Identifiers: MedGen C5543371, MONDO:0023657, OMIM 619320.

Allele frequency attached by ClinVar (database versions not stated): gnomAD exomes below 0.00001; ExAC 0.00001.
gnomAD v4.1: 1 of 1,587,184 alleles (0.000063%); highest among the groups gnomAD compares: Non-Finnish European, 0.000085%; no homozygotes.

Submission:

Institute of Human Genetics, University of Leipzig Medical Center
Classification: Likely pathogenic for Intellectual developmental disorder, autosomal dominant 65. Last evaluated: 2022-09-08. Review status: criteria provided, single submitter. Criteria: ACMG Guidelines, 2015. Collection method: clinical testing. Allele origin: unknown. Affected: yes.
Comment: _x000D_ Criteria applied: PVS1, PS3_SUP